The following is an entry in ClinVar:

ClinVar aggregate classification (germline): Conflicting classifications of pathogenicity. Review status: criteria provided, conflicting classifications (1 of 4 stars). 4 submissions from 4 submitters: Uncertain significance (1); Likely benign (2). 1 of the submissions does not count toward it. Last evaluated 2025-09-30.

Conditions:
PEX10-related disorder. Also called: PEX10-related condition.
Peroxisome biogenesis disorder, complementation group 7 (CG7). Also called: Peroxisome biogenesis disorder, complementation group B. Identifiers: MedGen C1864399.

Allele frequency attached by ClinVar (database versions not stated): TOPMed 0.00002.
gnomAD v4.1: 6 of 1,613,792 alleles (0.00037%); highest among the groups gnomAD compares: Admixed American, 0.0017%; no homozygotes.

Submissions (4):

Labcorp Genetics (formerly Invitae), Labcorp
Classification: Likely benign for Peroxisome biogenesis disorder, complementation group 7. Last evaluated: 2025-09-30. Review status: criteria provided, single submitter. Criteria: Invitae Variant Classification Sherloc (09022015). Collection method: clinical testing. Allele origin: germline.

Blueprint Genetics
Classification: Likely benign. Last evaluated: 2023-05-10. Review status: criteria provided, single submitter. Criteria: ACMG Guidelines, 2015. Collection method: clinical testing. Allele origin: germline.

Eurofins Ntd Llc (ga)
Classification: Uncertain significance. Last evaluated: 2016-07-15. Review status: criteria provided, single submitter. Criteria: EGL Classification Definitions 2015. Collection method: clinical testing. Allele origin: germline. Observed: 1 variant allele, 1 heterozygote.

PreventionGenetics, part of Exact Sciences
Classification: Likely benign for PEX10-related condition. Last evaluated: 2021-12-29. Review status: no assertion criteria provided. Collection method: clinical testing. Allele origin: germline. Not counted in ClinVar's aggregate classification.
Comment: This variant is classified as likely benign based on ACMG/AMP sequence variant interpretation guidelines (Richards et al. 2015 PMID: 25741868, with internal and published modifications).

NM_002617.4(PEX10):c.333C>T (p.Leu111=)

Gene: PEX10 (peroxisomal biogenesis factor 10; minus strand). Cytogenetic location: 1p36.32.
Variant type: single nucleotide variant.
Coding change: c.333C>T on transcript NM_002617.4 (MANE Select); coding-DNA position 333, C replaced by T.
Protein change: p.Leu111=; no amino-acid change (leucine 111 retained).
Molecular consequence: synonymous variant. On other transcripts: 5 prime UTR variant (2), non-coding transcript variant (1).
Genome position (GRCh38, 1-based): chr1:2,408,719, G>A on the plus strand (C>T on the coding strand, the complement: PEX10 is on the minus strand). VCF-style: chr1-2408719-G-A. GRCh37 (hg19) VCF-style: chr1-2340158-G-A.
Other names: c.333C>T (NM_153818.1); c.333C>T, p.Leu111= (NM_001374425.1, NM_153818.2); c.-100C>T (NM_001374426.1, NM_001374427.1).
Identifiers: ClinVar variation 289556 (VCV000289556.15), dbSNP rs781710848, ClinGen allele CA538207.